The following is an entry in ClinVar:

NM_000052.7(ATP7A):c.598C>G (p.Gln200Glu)

Gene: ATP7A (ATPase copper transporting alpha; plus strand). Cytogenetic location: Xq21.1.
Variant type: single nucleotide variant.
Coding change: c.598C>G on transcript NM_000052.7 (MANE Select); coding-DNA position 598, C replaced by G.
Protein change: p.Gln200Glu; replaces glutamine 200 with glutamic acid.
Molecular consequence: missense variant.
Genome position (GRCh38, 1-based): chrX:77,988,719, C>G. VCF-style: chrX-77988719-C-G. GRCh37 (hg19) VCF-style: chrX-77244215-C-G.
Other names: c.598C>G, p.Gln200Glu (NM_001282224.2); short protein forms Q200E.
Identifiers: ClinVar variation 2932514 (VCV002932514.3), dbSNP rs797045399, ClinGen allele CA413600373.
Genomic context (GRCh38, chrX:77,988,719, plus strand): 5'-ATGACCTGCCATTCATGTACTAGCACTATTGAAGGAAAAATTGGGAAACTGCAAGGTGTT[C>G]AGCGAATTAAAGGTAATGTGTCTGGTGTTGATTGTTTTGTAAGGCTTAGGTGTCTGTTTT-3'
Protein context (NP_000043.4, residues 190-210): EGKIGKLQGV[Gln200Glu]RIKVSLDNQE

ClinVar aggregate classification (germline): Uncertain significance (1 of 4 stars; one submission).

Conditions:
Menkes kinky-hair syndrome (MNK). Also called: Copper transport disease; Menkes Disease; Classic Menkes Disease. Identifiers: Orphanet 565, MedGen C0022716, MONDO:0010651, OMIM 309400.
Cutis laxa, X-linked (OHS). Also called: EDS IX; Occipital horn syndrome. Identifiers: Orphanet 198, MedGen C0268353, MONDO:0010572, OMIM 304150.
X-linked distal spinal muscular atrophy type 3. Also called: ATP7A-Related Distal Motor Neuropathy; SPINAL MUSCULAR ATROPHY, DISTAL, X-LINKED RECESSIVE; NEURONOPATHY, DISTAL HEREDITARY MOTOR, X-LINKED; NEUROPATHY, DISTAL HEREDITARY MOTOR, X-LINKED. Identifiers: Orphanet 139557, MedGen C1845359, MONDO:0010338, OMIM 300489.

Submission:

Labcorp Genetics (formerly Invitae), Labcorp
Classification: Uncertain significance for X-linked distal spinal muscular atrophy type 3; Cutis laxa, X-linked; Menkes kinky-hair syndrome. Last evaluated: 2023-12-13. Review status: criteria provided, single submitter. Criteria: Invitae Variant Classification Sherloc (09022015). Collection method: clinical testing. Allele origin: germline.
Comment: This sequence change replaces glutamine, which is neutral and polar, with glutamic acid, which is acidic and polar, at codon 200 of the ATP7A protein (p.Gln200Glu). This variant is not present in population databases (gnomAD no frequency). This variant has not been reported in the literature in individuals affected with ATP7A-related conditions. Advanced modeling of protein sequence and biophysical properties (such as structural, functional, and spatial information, amino acid conservation, physicochemical variation, residue mobility, and thermodynamic stability) performed at Invitae indicates that this missense variant is not expected to disrupt ATP7A protein function with a negative predictive value of 95%. In summary, the available evidence is currently insufficient to determine the role of this variant in disease. Therefore, it has been classified as a Variant of Uncertain Significance.